The following is an entry in ClinVar:

ClinVar aggregate classification (germline): Uncertain significance (1 of 4 stars; one submission).

Conditions:
Schimke immuno-osseous dysplasia (SIOD). Also called: Schimke Immunoosseous Dysplasia. Identifiers: Orphanet 1830, MedGen C0877024, MONDO:0009458, OMIM 242900.

Submission:

Labcorp Genetics (formerly Invitae), Labcorp
Classification: Uncertain significance for Schimke immuno-osseous dysplasia. Last evaluated: 2025-02-26. Review status: criteria provided, single submitter. Criteria: Invitae Variant Classification Sherloc (09022015). Collection method: clinical testing. Allele origin: germline.
Comment: This sequence change replaces alanine, which is neutral and non-polar, with serine, which is neutral and polar, at codon 472 of the SMARCAL1 protein (p.Ala472Ser). This variant is not present in population databases (gnomAD no frequency). This variant has not been reported in the literature in individuals affected with SMARCAL1-related conditions. Invitae Evidence Modeling of protein sequence and biophysical properties (such as structural, functional, and spatial information, amino acid conservation, physicochemical variation, residue mobility, and thermodynamic stability) has been performed for this missense variant. However, the output from this modeling did not meet the statistical confidence thresholds required to predict the impact of this variant on SMARCAL1 protein function. In summary, the available evidence is currently insufficient to determine the role of this variant in disease. Therefore, it has been classified as a Variant of Uncertain Significance.

NM_014140.4(SMARCAL1):c.1414G>T (p.Ala472Ser)

Gene: SMARCAL1 (SNF2 related chromatin remodeling annealing helicase 1; plus strand). Cytogenetic location: 2q35.
Variant type: single nucleotide variant.
Coding change: c.1414G>T on transcript NM_014140.4 (MANE Select); coding-DNA position 1414, G replaced by T.
Protein change: p.Ala472Ser; replaces alanine 472 with serine.
Molecular consequence: missense variant.
Genome position (GRCh38, 1-based): chr2:216,432,797, G>T. VCF-style: chr2-216432797-G-T. GRCh37 (hg19) VCF-style: chr2-217297520-G-T.
Other names: c.1414G>T, p.Ala472Ser (NM_001127207.2); short protein forms A472S.
Identifiers: ClinVar variation 3705481 (VCV003705481.2).